The following is an entry in ClinVar:

NM_004415.4(DSP):c.5834G>A (p.Arg1945His)

Gene: DSP (desmoplakin; plus strand). Cytogenetic location: 6p24.3.
Variant type: single nucleotide variant.
Coding change: c.5834G>A on transcript NM_004415.4 (MANE Select); coding-DNA position 5834, G replaced by A.
Protein change: p.Arg1945His; replaces arginine 1945 with histidine.
Molecular consequence: missense variant.
Genome position (GRCh38, 1-based): chr6:7,583,096, G>A. VCF-style: chr6-7583096-G-A. GRCh37 (hg19) VCF-style: chr6-7583329-G-A.
Other names: c.4037G>A, p.Arg1346His (NM_001008844.3); c.4505G>A, p.Arg1502His (NM_001319034.2); short protein forms R1502H, R1945H, R1346H.
Identifiers: ClinVar variation 1397862 (VCV001397862.10), dbSNP rs759516161, ClinGen allele CA045886.

ClinVar aggregate classification (germline): Conflicting classifications of pathogenicity. Review status: criteria provided, conflicting classifications (1 of 4 stars). 4 submissions from 4 submitters: Uncertain significance (3); Likely benign (1). Last evaluated 2025-12-24.

Conditions:
Cardiomyopathy (CMYO). Also called: Cardiomyopathies. Identifiers: Orphanet 167848, MedGen C0878544, MONDO:0004994, HP:0001638. Inheritance: Various modes of inheritance.
Arrhythmogenic cardiomyopathy with wooly hair and keratoderma. Also called: Dilated cardiomyopathy with woolly hair and keratoderma; Arrhythmogenic cardiomyopathy with woolly hair and keratoderma; PALMOPLANTAR KERATODERMA WITH LEFT VENTRICULAR CARDIOMYOPATHY AND WOOLLY HAIR; Carvajal syndrome. Identifiers: Orphanet 65282, MedGen C1854063, MONDO:0011581, OMIM 605676.
Arrhythmogenic right ventricular dysplasia 8 (ARVD8). Also called: Arrhythmogenic Right Ventricular Dysplasia/Cardiomyopathy 8; ARRHYTHMOGENIC RIGHT VENTRICULAR DYSPLASIA, FAMILIAL, 8; ARRHYTHMOGENIC RIGHT VENTRICULAR CARDIOMYOPATHY 8. Identifiers: MedGen C1843896, MONDO:0011831, OMIM 607450.
Cardiovascular phenotype. Identifiers: MedGen CN230736.

Allele frequency attached by ClinVar (database versions not stated): ExAC 0.00001; gnomAD 0.00001; gnomAD exomes 0.00001; TOPMed 0.00003.
gnomAD v4.1: 18 of 1,613,928 alleles (0.0011%); highest among the groups gnomAD compares: African/African-American, 0.0013%; no homozygotes.

Submissions (4):

Labcorp Genetics (formerly Invitae), Labcorp
Classification: Likely benign for Arrhythmogenic cardiomyopathy with wooly hair and keratoderma; Arrhythmogenic right ventricular dysplasia 8. Last evaluated: 2025-12-24. Review status: criteria provided, single submitter. Criteria: Invitae Variant Classification Sherloc (09022015). Collection method: clinical testing. Allele origin: germline.

Color Diagnostics, LLC DBA Color Health
Classification: Uncertain significance for Cardiomyopathy. Last evaluated: 2024-04-07. Review status: criteria provided, single submitter. Criteria: ACMG Guidelines, 2015. Collection method: clinical testing. Allele origin: germline.
Comment: This missense variant replaces arginine with histidine at codon 1945 of the DSP protein. Computational prediction suggests that this variant may not impact protein structure and function (internally defined REVEL score threshold <= 0.5, PMID: 27666373). To our knowledge, functional studies have not been reported for this variant. This variant has not been reported in individuals affected with DSP-related disorders in the literature. This variant has been identified in 2/250544 chromosomes in the general population by the Genome Aggregation Database (gnomAD). The available evidence is insufficient to determine the role of this variant in disease conclusively. Therefore, this variant is classified as a Variant of Uncertain Significance.

All of Us Research Program, National Institutes of Health
Classification: Uncertain significance for Arrhythmogenic cardiomyopathy with wooly hair and keratoderma. Last evaluated: 2023-05-04. Review status: criteria provided, single submitter. Criteria: ACMG Guidelines, 2015. Collection method: clinical testing. Allele origin: germline. Inheritance: Autosomal dominant inheritance. Observed: 1 variant allele, 1 heterozygote.
Comment: This missense variant replaces arginine with histidine at codon 1945 of the DSP protein. Computational prediction suggests that this variant may not impact protein structure and function (internally defined REVEL score threshold <= 0.5, PMID: 27666373). To our knowledge, functional studies have not been reported for this variant. This variant has not been reported in individuals affected with DSP-related disorders in the literature. This variant has been identified in 2/250544 chromosomes in the general population by the Genome Aggregation Database (gnomAD). The available evidence is insufficient to determine the role of this variant in disease conclusively. Therefore, this variant is classified as a Variant of Uncertain Significance.

This study involves interpretation of variants in research participants for the purpose of population health screening. Participant phenotype was not available at the time of variant classification. Additional details can be found in publication PMID: 35346344, PMCID: PMC8962531

Ambry Genetics
Classification: Uncertain significance for Cardiovascular phenotype. Last evaluated: 2020-01-03. Review status: criteria provided, single submitter. Criteria: Ambry Variant Classification Scheme 2023. Collection method: clinical testing. Allele origin: germline.
Comment: The p.R1945H variant (also known as c.5834G>A), located in coding exon 24 of the DSP gene, results from a G to A substitution at nucleotide position 5834. The arginine at codon 1945 is replaced by histidine, an amino acid with highly similar properties. This amino acid position is well conserved in available vertebrate species. In addition, the in silico prediction for this alteration is inconclusive. Since supporting evidence is limited at this time, the clinical significance of this alteration remains unclear.